The following is an entry in ClinVar:

ClinVar aggregate classification (germline): Uncertain significance. Review status: criteria provided, multiple submitters, no conflicts (2 of 4 stars). 2 submissions from 2 submitters: Uncertain significance (2). Last evaluated 2024-10-03.

Conditions:
Hereditary cancer-predisposing syndrome. Also called: Neoplastic Syndromes, Hereditary; Tumor predisposition; Hereditary neoplastic syndrome; Hereditary Cancer Syndrome. Identifiers: Orphanet 140162, MedGen C0027672, MeSH D009386, MONDO:0015356.
POLD1-related polyposis and colorectal cancer syndrome (CRCS10). Also called: COLORECTAL CANCER, SUSCEPTIBILITY TO, ON CHROMOSOME 19q; Colorectal cancer 10; Colorectal cancer, susceptibility to, 10. Identifiers: Orphanet 220460, MedGen C2675481, MONDO:0012953, OMIM 612591.

Submissions (2):

Labcorp Genetics (formerly Invitae), Labcorp
Classification: Uncertain significance for POLD1-related polyposis and colorectal cancer syndrome. Last evaluated: 2024-10-03. Review status: criteria provided, single submitter. Criteria: Invitae Variant Classification Sherloc (09022015). Collection method: clinical testing. Allele origin: germline.
Comment: This sequence change replaces asparagine, which is neutral and polar, with serine, which is neutral and polar, at codon 531 of the POLD1 protein (p.Asn531Ser). This variant is not present in population databases (gnomAD no frequency). This missense change has been observed in individual(s) with clinical features of POLD1-related conditions (PMID: 31297992). ClinVar contains an entry for this variant (Variation ID: 1775939). Invitae Evidence Modeling of protein sequence and biophysical properties (such as structural, functional, and spatial information, amino acid conservation, physicochemical variation, residue mobility, and thermodynamic stability) indicates that this missense variant is expected to disrupt POLD1 protein function with a positive predictive value of 80%. In summary, the available evidence is currently insufficient to determine the role of this variant in disease. Therefore, it has been classified as a Variant of Uncertain Significance.

Ambry Genetics
Classification: Uncertain significance for Hereditary cancer-predisposing syndrome. Last evaluated: 2022-04-19. Review status: criteria provided, single submitter. Criteria: Ambry Variant Classification Scheme 2023. Collection method: clinical testing. Allele origin: germline.
Comment: The p.N531S variant (also known as c.1592A>G), located in coding exon 12 of the POLD1 gene, results from an A to G substitution at nucleotide position 1592. The asparagine at codon 531 is replaced by serine, an amino acid with highly similar properties. This amino acid position is conserved. In addition, this alteration is predicted to be tolerated by in silico analysis. Since supporting evidence is limited at this time, the clinical significance of this alteration remains unclear.

Literature cited by the submitters: PubMed 31297992 (cited by Labcorp Genetics (formerly Invitae), Labcorp).

NM_002691.4(POLD1):c.1592A>G (p.Asn531Ser)

Gene: POLD1 (DNA polymerase delta 1, catalytic subunit; plus strand). Cytogenetic location: 19q13.33.
Variant type: single nucleotide variant.
Coding change: c.1592A>G on transcript NM_002691.4 (MANE Select); coding-DNA position 1592, A replaced by G.
Protein change: p.Asn531Ser; replaces asparagine 531 with serine.
Molecular consequence: missense variant. On other transcripts: non-coding transcript variant (1).
Genome position (GRCh38, 1-based): chr19:50,407,080, A>G. VCF-style: chr19-50407080-A-G. GRCh37 (hg19) VCF-style: chr19-50910337-A-G.
Other names: c.1592A>G, p.Asn531Ser (NM_001256849.1, NM_001308632.1); short protein forms N531S.
Identifiers: ClinVar variation 1775939 (VCV001775939.5), dbSNP rs2514000286, ClinGen allele CA406980929.